The following is an entry in ClinVar:

ClinVar aggregate classification (germline): Uncertain significance. Review status: criteria provided, multiple submitters, no conflicts (2 of 4 stars). 4 submissions from 4 submitters: Uncertain significance (4). Last evaluated 2025-09-04.

Conditions:
Cardiovascular phenotype. Identifiers: MedGen CN230736.
Cardiomyopathy (CMYO). Also called: Cardiomyopathies. Identifiers: Orphanet 167848, MedGen C0878544, MONDO:0004994, HP:0001638. Inheritance: Various modes of inheritance.
Hypertrophic cardiomyopathy. Also called: HYPERTROPHIC MYOCARDIOPATHY. Identifiers: Orphanet 217569, MedGen C0007194, MeSH D002312, MONDO:0005045, HP:0001639.

Allele frequency attached by ClinVar (database versions not stated): TOPMed 0.00001.
gnomAD v4.1: 4 of 1,556,136 alleles (0.00026%); highest among the groups gnomAD compares: African/African-American, 0.0027%; no homozygotes.

Submissions (4):

Color Diagnostics, LLC DBA Color Health
Classification: Uncertain significance for Cardiomyopathy. Last evaluated: 2025-09-04. Review status: criteria provided, single submitter. Criteria: ACMG Guidelines, 2015. Collection method: clinical testing. Allele origin: germline.
Comment: This missense variant replaces arginine with leucine at codon 895 of the MYBPC3 protein. Computational prediction suggests that this variant may not impact protein structure and function. To our knowledge, functional studies have not been reported for this variant. This variant has been reported in an individual affected with hypertrophic cardiomyopathy (PMID: 33495597). This variant has been identified in 1/177112 chromosomes in the general population by the Genome Aggregation Database (gnomAD). The available evidence is insufficient to determine the role of this variant in disease conclusively. Therefore, this variant is classified as a Variant of Uncertain Significance.

GeneDx
Classification: Uncertain significance. Last evaluated: 2025-07-29. Review status: criteria provided, single submitter. Criteria: GeneDx Variant Classification Process June 2021. Collection method: clinical testing. Allele origin: germline. Affected: yes.
Comment: Has not been previously published as pathogenic or benign to our knowledge; Not observed at significant frequency in large population cohorts (gnomAD); In silico analysis supports that this missense variant has a deleterious effect on protein structure/function

Labcorp Genetics (formerly Invitae), Labcorp
Classification: Uncertain significance for Hypertrophic cardiomyopathy. Last evaluated: 2024-10-18. Review status: criteria provided, single submitter. Criteria: Invitae Variant Classification Sherloc (09022015). Collection method: clinical testing. Allele origin: germline.
Comment: This sequence change replaces arginine, which is basic and polar, with leucine, which is neutral and non-polar, at codon 895 of the MYBPC3 protein (p.Arg895Leu). The frequency data for this variant in the population databases is considered unreliable, as metrics indicate poor data quality at this position in the gnomAD database. This variant has not been reported in the literature in individuals affected with MYBPC3-related conditions. ClinVar contains an entry for this variant (Variation ID: 847869). An algorithm developed to predict the effect of missense changes on protein structure and function (PolyPhen-2) suggests that this variant is likely to be disruptive. In summary, the available evidence is currently insufficient to determine the role of this variant in disease. Therefore, it has been classified as a Variant of Uncertain Significance.

Ambry Genetics
Classification: Uncertain significance for Cardiovascular phenotype. Last evaluated: 2022-10-25. Review status: criteria provided, single submitter. Criteria: Ambry Variant Classification Scheme 2023. Collection method: clinical testing. Allele origin: germline.
Comment: The p.R895L variant (also known as c.2684G>T), located in coding exon 26 of the MYBPC3 gene, results from a G to T substitution at nucleotide position 2684. The arginine at codon 895 is replaced by leucine, an amino acid with dissimilar properties. This alteration has been reported in a hypertrophic cardiomyopathy (HCM) cohort; however, clinical details were limited (Harper AR et al. Nat Genet, 2021 02;53:135-142). This amino acid position is highly conserved in available vertebrate species. In addition, the in silico prediction for this alteration is inconclusive. Since supporting evidence is limited at this time, the clinical significance of this alteration remains unclear.

Literature cited by the submitters: PubMed 33495597 (cited by Color Diagnostics, LLC DBA Color Health and Ambry Genetics).

NM_000256.3(MYBPC3):c.2684G>T (p.Arg895Leu)

Gene: MYBPC3 (myosin binding protein C3; minus strand). Cytogenetic location: 11p11.2.
Variant type: single nucleotide variant.
Coding change: c.2684G>T on transcript NM_000256.3 (MANE Select); coding-DNA position 2684, G replaced by T.
Protein change: p.Arg895Leu; replaces arginine 895 with leucine.
Molecular consequence: missense variant.
Genome position (GRCh38, 1-based): chr11:47,335,930, C>A on the plus strand (G>T on the coding strand, the complement: MYBPC3 is on the minus strand). VCF-style: chr11-47335930-C-A. GRCh37 (hg19) VCF-style: chr11-47357481-C-A.
Other names: short protein forms R895L.
Identifiers: ClinVar variation 847869 (VCV000847869.12), dbSNP rs372628478, ClinGen allele CA221685858.
Genomic context (GRCh38, chr11:47,335,930, plus strand): 5'-CACTCACAGCCCTCTGGGCAGTACTCCACGCTGTAGCCATCCAGGCCTCCTGCTCCCACG[C>A]GCTCTGGGGGCCGCCACTTGAGGGAGACCGTGGTGTCAGAGACGTCCTCTACTGCCAGGT-3'
Protein context (NP_000247.2, residues 885-905): TVSLKWRPPE[Arg895Leu]VGAGGLDGYS